The following is an entry in ClinVar:

ClinVar aggregate classification (germline): Likely benign (0 of 4 stars; one submission).

Conditions:
CACNA2D3-related disorder. Also called: CACNA2D3-related condition.

Allele frequency attached by ClinVar (database versions not stated): gnomAD 0.00003; gnomAD exomes 0.00003; TOPMed 0.00005; ESP Exome Variant Server 0.00008; ExAC 0.00014.
gnomAD v4.1: 55 of 1,595,448 alleles (0.0034%); highest among the groups gnomAD compares: Middle Eastern, 0.099%; no homozygotes.

Submission:

PreventionGenetics, part of Exact Sciences
Classification: Likely benign for CACNA2D3-related condition. Last evaluated: 2022-05-27. Review status: no assertion criteria provided. Collection method: clinical testing. Allele origin: germline.
Comment: This variant is classified as likely benign based on ACMG/AMP sequence variant interpretation guidelines (Richards et al. 2015 PMID: 25741868, with internal and published modifications).

NM_018398.3(CACNA2D3):c.678G>T (p.Gly226=)

Gene: CACNA2D3 (calcium voltage-gated channel auxiliary subunit alpha2delta 3; plus strand). Cytogenetic location: 3p14.3.
Variant type: single nucleotide variant.
Coding change: c.678G>T on transcript NM_018398.3 (MANE Select); coding-DNA position 678, G replaced by T.
Protein change: p.Gly226=; no amino-acid change (glycine 226 retained).
Molecular consequence: synonymous variant.
Genome position (GRCh38, 1-based): chr3:54,569,796, G>T. VCF-style: chr3-54569796-G-T. GRCh37 (hg19) VCF-style: chr3-54603823-G-T.
Identifiers: ClinVar variation 3034458 (VCV003034458.2), dbSNP rs372114533, ClinGen allele CA2457428.